The following is an entry in ClinVar:

ClinVar aggregate classification (germline): Likely benign. Review status: reviewed by expert panel (3 of 4 stars). 7 submissions from 7 submitters: Likely benign (1). 6 of the submissions do not count toward it. Last evaluated 2017-06-29.

Conditions:
Hereditary cancer-predisposing syndrome. Also called: Hereditary Cancer Syndrome; Neoplastic Syndromes, Hereditary; Tumor predisposition; Hereditary neoplastic syndrome. Identifiers: Orphanet 140162, MedGen C0027672, MeSH D009386, MONDO:0015356.
Breast-ovarian cancer, familial, susceptibility to, 2 (BROVCA2). Also called: BRCA2 Hereditary Breast and Ovarian Cancer. Identifiers: Orphanet 145, MedGen C2675520, MONDO:0012933, OMIM 612555. Disease mechanism: loss of function.
Hereditary breast ovarian cancer syndrome. Also called: Hereditary breast and/or ovarian cancer syndrome; BRCA1- and BRCA2-Associated Hereditary Breast and Ovarian Cancer; Hereditary breast and ovarian cancer syndrome (HBOC); Hereditary breast and ovarian cancer; Hereditary breast and ovarian cancer syndrome; Breast and ovarian cancer. Identifiers: Orphanet 145, MedGen C0677776, MeSH D061325, MONDO:0003582. Disease mechanism: loss of function.
Malignant tumor of breast. Also called: Malignant breast neoplasm; Cancer breast. Identifiers: MedGen C0006142, MONDO:0007254. Disease mechanism: loss of function.

Allele frequency attached by ClinVar (database versions not stated): gnomAD exomes below 0.00001.
gnomAD v4.1: 2 of 1,593,724 alleles (0.00013%); highest among the groups gnomAD compares: Non-Finnish European, 0.00017%; no homozygotes.

Submissions (7):

Evidence-based Network for the Interpretation of Germline Mutant Alleles (ENIGMA)
Classification: Likely benign for Breast-ovarian cancer, familial, susceptibility to, 2. Last evaluated: 2017-06-29. Review status: reviewed by expert panel. Criteria: ENIGMA BRCA1/2 Classification Criteria (2017-06-29). Collection method: curation. Allele origin: germline.
Comment: Synonymous substitution variant, with low bioinformatic likelihood to result in a splicing aberration (Splicing prior probability 0.02).

Labcorp Genetics (formerly Invitae), Labcorp
Classification: Likely benign for Hereditary breast ovarian cancer syndrome. Last evaluated: 2025-11-08. Review status: criteria provided, single submitter. Criteria: Invitae Variant Classification Sherloc (09022015). Collection method: clinical testing. Allele origin: germline. Not counted in ClinVar's aggregate classification.

Color Diagnostics, LLC DBA Color Health
Classification: Likely benign for Hereditary cancer-predisposing syndrome. Last evaluated: 2025-05-12. Review status: criteria provided, single submitter. Criteria: ACMG Guidelines, 2015. Collection method: clinical testing. Allele origin: germline. Not counted in ClinVar's aggregate classification.

Women's Health and Genetics/Laboratory Corporation of America, LabCorp
Classification: Likely benign. Last evaluated: 2021-06-03. Review status: criteria provided, single submitter. Criteria: LabCorp Variant Classification Summary - May 2015. Collection method: clinical testing. Allele origin: germline. Not counted in ClinVar's aggregate classification.

Ambry Genetics
Classification: Likely benign for Hereditary cancer-predisposing syndrome. Last evaluated: 2020-10-13. Review status: criteria provided, single submitter. Criteria: Ambry Variant Classification Scheme 2023. Collection method: clinical testing. Allele origin: germline. Not counted in ClinVar's aggregate classification.

GeneDx
Classification: Likely benign. Last evaluated: 2016-09-25. Review status: criteria provided, single submitter. Criteria: GeneDx Variant Classification (06012015). Collection method: clinical testing. Allele origin: germline. Affected: yes. Not counted in ClinVar's aggregate classification.
Comment: This variant is considered likely benign or benign based on one or more of the following criteria: it is a conservative change, it occurs at a poorly conserved position in the protein, it is predicted to be benign by multiple in silico algorithms, and/or has population frequency not consistent with disease.

Department of Pathology and Laboratory Medicine, Sinai Health System
Classification: Likely benign for Malignant tumor of breast. Review status: no assertion criteria provided. Collection method: clinical testing. Allele origin: unknown. Affected: yes. Observed: 1 variant allele. Study: The Canadian Open Genetics Repository (COGR). Not counted in ClinVar's aggregate classification.
Comment: The BRCA2 p.Asn1083Asn variant was not identified in the literature, nor was it identified in the dbSNP, NHLBI Exome Sequencing Project (Exome Variant Server: 1000 Genomes), Exome Aggregation Consortium (ExAC), HGMD, LOVD, COSMIC, ClinVar, GeneInsight VariantWire, BIC or UMD. The p.Asn1083Asn variant is not expected to have clinical significance because it does not result in a change of amino acid and is not located in a known consensus splice site. The p.Asn1083Asn variant occurs outside of the splicing consensus sequence and 1 of 5 in silico or computational prediction software programs (SpliceSiteFinder, MaxEntScan, NNSPLICE, GeneSplicer, HumanSpliceFinder) predict a greater than 10% difference in splicing; this is not very predictive of pathogenicity. In summary, based on the above information, the clinical significance of this variant cannot be determined with certainty at this time although we would lean towards a more benign role for this variant. This variant is classified as predicted benign.

NM_000059.4(BRCA2):c.3249T>C (p.Asn1083=)

Gene: BRCA2 (BRCA2 DNA repair associated; plus strand). Cytogenetic location: 13q13.1.
Variant type: single nucleotide variant.
Coding change: c.3249T>C on transcript NM_000059.4 (MANE Select); coding-DNA position 3249, T replaced by C.
Protein change: p.Asn1083=; no amino-acid change (asparagine 1083 retained).
Molecular consequence: synonymous variant.
Genome position (GRCh38, 1-based): chr13:32,337,604, T>C. VCF-style: chr13-32337604-T-C. GRCh37 (hg19) VCF-style: chr13-32911741-T-C.
Identifiers: ClinVar variation 231216 (VCV000231216.20), dbSNP rs876659029, ClinGen allele CA10579567.
Genomic context (GRCh38, chr13:32,337,604, plus strand): 5'-GTCAATTAATACTGTATCTGCACATTTACAGAGTAGTGTAGTTGTTTCTGATTGTAAAAA[T>C]AGTCATATAACCCCTCAGATGTTATTTTCCAAGCAGGATTTTAATTCAAACCATAATTTA-3'
Protein context (NP_000050.3, residues 1073-1093): QSSVVVSDCK[Asn1083=]SHITPQMLFS